The following is an entry in ClinVar:

ClinVar aggregate classification (germline): Conflicting classifications of pathogenicity. Review status: criteria provided, conflicting classifications (1 of 4 stars). 2 submissions from 2 submitters: Uncertain significance (1); Likely benign (1). Last evaluated 2025-08-30.

Conditions:
Inborn genetic diseases. Identifiers: MedGen C0950123, MeSH D030342.

Allele frequency attached by ClinVar (database versions not stated): TOPMed 0.00001; ExAC 0.00004.
gnomAD v4.1: 33 of 1,614,072 alleles (0.002%); highest among the groups gnomAD compares: Middle Eastern, 0.016%; no homozygotes.

Submissions (2):

Ambry Genetics
Classification: Likely benign for Inborn genetic diseases. Last evaluated: 2025-08-30. Review status: criteria provided, single submitter. Criteria: Ambry Variant Classification Scheme 2023. Collection method: clinical testing. Allele origin: germline.

Labcorp Genetics (formerly Invitae), Labcorp
Classification: Uncertain significance. Last evaluated: 2024-01-02. Review status: criteria provided, single submitter. Criteria: Invitae Variant Classification Sherloc (09022015). Collection method: clinical testing. Allele origin: germline.
Comment: This sequence change replaces glycine, which is neutral and non-polar, with serine, which is neutral and polar, at codon 288 of the ADNP protein (p.Gly288Ser). This variant is present in population databases (rs778193621, gnomAD 0.008%). This variant has not been reported in the literature in individuals affected with ADNP-related conditions. Algorithms developed to predict the effect of missense changes on protein structure and function output the following: SIFT: "Not Available"; PolyPhen-2: "Possibly Damaging"; Align-GVGD: "Not Available". The serine amino acid residue is found in multiple mammalian species, which suggests that this missense change does not adversely affect protein function. In summary, the available evidence is currently insufficient to determine the role of this variant in disease. Therefore, it has been classified as a Variant of Uncertain Significance.

NM_001282531.3(ADNP):c.862G>A (p.Gly288Ser)

Gene: ADNP (activity dependent neuroprotector homeobox; minus strand). Cytogenetic location: 20q13.13.
Variant type: single nucleotide variant.
Coding change: c.862G>A on transcript NM_001282531.3 (MANE Select); coding-DNA position 862, G replaced by A.
Protein change: p.Gly288Ser; replaces glycine 288 with serine.
Molecular consequence: missense variant.
Genome position (GRCh38, 1-based): chr20:50,893,852, C>T on the plus strand (G>A on the coding strand, the complement: ADNP is on the minus strand). VCF-style: chr20-50893852-C-T. GRCh37 (hg19) VCF-style: chr20-49510389-C-T.
Other names: c.862G>A, p.Gly288Ser (NM_001282532.2, NM_001347511.2, NM_015339.5 and 1 more transcripts); c.862G>A (NM_015339.2); short protein forms G288S.
Identifiers: ClinVar variation 2721164 (VCV002721164.4), dbSNP rs778193621, ClinGen allele CA9908823.